The following is an entry in ClinVar:

NM_021831.6(AGBL5):c.2435C>G (p.Pro812Arg)

Gene: AGBL5 (AGBL carboxypeptidase 5; plus strand). Cytogenetic location: 2p23.3.
Variant type: single nucleotide variant.
Coding change: c.2435C>G on transcript NM_021831.6 (MANE Select); coding-DNA position 2435, C replaced by G.
Protein change: p.Pro812Arg; replaces proline 812 with arginine.
Molecular consequence: missense variant. On other transcripts: non-coding transcript variant (2).
Genome position (GRCh38, 1-based): chr2:27,069,652, C>G. VCF-style: chr2-27069652-C-G. GRCh37 (hg19) VCF-style: chr2-27292520-C-G.
Other names: short protein forms P812R.
Identifiers: ClinVar variation 963336 (VCV000963336.6), dbSNP rs371326361, ClinGen allele CA1568254.

ClinVar aggregate classification (germline): Uncertain significance. Review status: criteria provided, multiple submitters, no conflicts (2 of 4 stars). 2 submissions from 2 submitters: Uncertain significance (2). Last evaluated 2022-03-10.

Conditions:
Inborn genetic diseases. Identifiers: MedGen C0950123, MeSH D030342.

Allele frequency attached by ClinVar (database versions not stated): TOPMed 0.00001; ExAC 0.00003; ESP Exome Variant Server 0.00008.
gnomAD v4.1: 29 of 1,614,082 alleles (0.0018%); highest among the groups gnomAD compares: Middle Eastern, 0.066%; no homozygotes.

Submissions (2):

Labcorp Genetics (formerly Invitae), Labcorp
Classification: Uncertain significance. Last evaluated: 2022-03-10. Review status: criteria provided, single submitter. Criteria: Invitae Variant Classification Sherloc (09022015). Collection method: clinical testing. Allele origin: germline.
Comment: This sequence change replaces proline, which is neutral and non-polar, with arginine, which is basic and polar, at codon 812 of the AGBL5 protein (p.Pro812Arg). This variant is present in population databases (rs371326361, gnomAD 0.01%). This variant has not been reported in the literature in individuals affected with AGBL5-related conditions. ClinVar contains an entry for this variant (Variation ID: 963336). Algorithms developed to predict the effect of missense changes on protein structure and function (SIFT, PolyPhen-2, Align-GVGD) all suggest that this variant is likely to be tolerated. Algorithms developed to predict the effect of sequence changes on RNA splicing suggest that this variant may create or strengthen a splice site. In summary, the available evidence is currently insufficient to determine the role of this variant in disease. Therefore, it has been classified as a Variant of Uncertain Significance.

Ambry Genetics
Classification: Uncertain significance for Inborn genetic diseases. Last evaluated: 2021-10-22. Review status: criteria provided, single submitter. Criteria: Ambry Variant Classification Scheme 2023. Collection method: clinical testing. Allele origin: germline.